The following is an entry in ClinVar:

NM_007294.4(BRCA1):c.3798C>T (p.Ser1266=)

Genes: BRCA1 (BRCA1 DNA repair associated; minus strand), LOC126862571 (BRD4-independent group 4 enhancer GRCh37_chr17:41243136-41244335; plus strand). Cytogenetic location: 17q21.31.
Variant type: single nucleotide variant.
Coding change: c.3798C>T on transcript NM_007294.4 (MANE Select); coding-DNA position 3798, C replaced by T.
Protein change: p.Ser1266=; no amino-acid change (serine 1266 retained).
Molecular consequence: synonymous variant. On other transcripts: intron variant (135).
Genome position (GRCh38, 1-based): chr17:43,091,733, G>A on the plus strand (C>T on the coding strand, the complement: BRCA1 is on the minus strand). VCF-style: chr17-43091733-G-A. GRCh37 (hg19) VCF-style: chr17-41243750-G-A.
Other names: c.3798C>T, p.Ser1266= (NM_001407602.1, NM_001407603.1, NM_001407605.1 and 30 more transcripts); c.3795C>T, p.Ser1265= (NM_001407610.1, NM_001407611.1, NM_001407612.1 and 22 more transcripts); c.3789C>T, p.Ser1263= (NM_001407646.1, NM_001407647.1); c.3675C>T, p.Ser1225= (NM_001407648.1, NM_001407664.1, NM_001407665.1 and 19 more transcripts); c.3672C>T, p.Ser1224= (NM_001407649.1, NM_001407670.1, NM_001407671.1 and 11 more transcripts); c.3720C>T, p.Ser1240= (NM_001407653.1, NM_001407654.1, NM_001407655.1 and 4 more transcripts); c.3717C>T, p.Ser1239= (NM_001407659.1, NM_001407660.1, NM_001407661.1 and 1 more transcripts); c.3657C>T, p.Ser1219= (NM_001407692.1, NM_001407694.1, NM_001407695.1 and 29 more transcripts); and 41 more.
Identifiers: ClinVar variation 427316 (VCV000427316.4), dbSNP rs200648498, ClinGen allele CA290834304.

ClinVar aggregate classification (germline): Likely benign (3 of 4 stars; one submission).

Conditions:
Breast-ovarian cancer, familial, susceptibility to, 1 (BROVCA1). Also called: BRCA1 Hereditary Breast and Ovarian Cancer; OVARIAN CANCER, SUSCEPTIBILITY TO. Identifiers: Orphanet 145, MedGen C2676676, MONDO:0011450, OMIM 604370. Disease mechanism: loss of function.

Allele frequency attached by ClinVar (database versions not stated): gnomAD exomes below 0.00001; 1000 Genomes Project 30x 0.00016; 1000 Genomes Project 0.00020.
gnomAD v4.1: 1 of 1,614,204 alleles (0.000062%); highest among the groups gnomAD compares: East Asian, 0.0022%; no homozygotes.

Submission:

Evidence-based Network for the Interpretation of Germline Mutant Alleles (ENIGMA)
Classification: Likely benign for Breast-ovarian cancer, familial, susceptibility to, 1. Last evaluated: 2017-06-29. Review status: reviewed by expert panel. Criteria: ENIGMA BRCA1/2 Classification Criteria (2017-06-29). Collection method: curation. Allele origin: germline.
Comment: Synonymous substitution variant, with low bioinformatic likelihood to result in a splicing aberration (Splicing prior probability 0.02).